The following is an entry in ClinVar:

NM_001199799.2(ILDR1):c.1358G>A (p.Arg453Gln)

Gene: ILDR1 (immunoglobulin like domain containing receptor 1; minus strand). Cytogenetic location: 3q13.33.
Variant type: single nucleotide variant.
Coding change: c.1358G>A on transcript NM_001199799.2 (MANE Select); coding-DNA position 1358, G replaced by A.
Protein change: p.Arg453Gln; replaces arginine 453 with glutamine.
Molecular consequence: missense variant.
Genome position (GRCh38, 1-based): chr3:121,993,391, C>T on the plus strand (G>A on the coding strand, the complement: ILDR1 is on the minus strand). VCF-style: chr3-121993391-C-T. GRCh37 (hg19) VCF-style: chr3-121712238-C-T.
Other names: c.1091G>A, p.Arg364Gln (NM_001199800.2); c.1226G>A, p.Arg409Gln (NM_175924.4); c.1358G>A (NM_001199799.1); short protein forms R409Q, R364Q, R453Q.
Identifiers: ClinVar variation 2203411 (VCV002203411.31), dbSNP rs372564314, ClinGen allele CA2568698.
Genomic context (GRCh38, chr3:121,993,391, plus strand): 5'-GGCAAGGGAGGAGAGTAGCTGCGGTGCCTGCGTCGTCTCCCGTGCCTCTGAGTGCTCTCC[C>T]GGGGGCTGGGCCTGCGGGGCCTCTCCTGACAGCGGCTCCTGAAAGGAGGGTGGCTCGGCC-3'
Protein context (NP_001186728.1, residues 443-463): CQERPRRPSP[Arg453Gln]ESTQRHGRRR

ClinVar aggregate classification (germline): Conflicting classifications of pathogenicity. Review status: criteria provided, conflicting classifications (1 of 4 stars). 4 submissions from 4 submitters: Uncertain significance (3); Likely benign (1). Last evaluated 2024-10-22.

Conditions:
Autosomal recessive nonsyndromic hearing loss 42. Identifiers: Orphanet 90636, MedGen C1864818, MONDO:0012326, OMIM 609646.

Allele frequency attached by ClinVar (database versions not stated): 1000 Genomes Project 30x 0.00016; 1000 Genomes Project 0.00020.
gnomAD v4.1: 161 of 1,613,124 alleles (0.01%); highest among the groups gnomAD compares: South Asian, 0.14%; 1 homozygote.

Submissions (4):

Labcorp Genetics (formerly Invitae), Labcorp
Classification: Uncertain significance. Last evaluated: 2024-10-22. Review status: criteria provided, single submitter. Criteria: Invitae Variant Classification Sherloc (09022015). Collection method: clinical testing. Allele origin: germline.
Comment: This sequence change replaces arginine, which is basic and polar, with glutamine, which is neutral and polar, at codon 453 of the ILDR1 protein (p.Arg453Gln). This variant is present in population databases (rs372564314, gnomAD 0.09%). This missense change has been observed in individual(s) with nonsyndromic deafness (PMID: 21255762). It has also been observed to segregate with disease in related individuals. ClinVar contains an entry for this variant (Variation ID: 2203411). An algorithm developed to predict the effect of missense changes on protein structure and function (PolyPhen-2) suggests that this variant is likely to be tolerated. In summary, the available evidence is currently insufficient to determine the role of this variant in disease. Therefore, it has been classified as a Variant of Uncertain Significance.

CeGaT Center for Human Genetics Tuebingen
Classification: Likely benign. Last evaluated: 2023-08-01. Review status: criteria provided, single submitter. Criteria: CeGaT Center For Human Genetics Tuebingen Variant Classification Criteria Version 2. Collection method: clinical testing. Allele origin: germline. Affected: yes. Observed: 1 variant allele.
Comment: ILDR1: BP4, BS1:Supporting

GeneDx
Classification: Uncertain significance. Last evaluated: 2023-02-21. Review status: criteria provided, single submitter. Criteria: GeneDx Variant Classification Process June 2021. Collection method: clinical testing. Allele origin: germline. Affected: yes.
Comment: In silico analysis supports that this missense variant does not alter protein structure/function; This variant is associated with the following publications: (PMID: 23239027, 21255762)

Revvity Omics, Revvity
Classification: Uncertain significance for Autosomal recessive nonsyndromic hearing loss 42. Last evaluated: 2020-12-12. Review status: criteria provided, single submitter. Criteria: ACMG Guidelines, 2015. Collection method: clinical testing. Allele origin: germline.

Literature cited by the submitters: PubMed 21255762 (cited by Labcorp Genetics (formerly Invitae), Labcorp).